The following is an entry in ClinVar:

ClinVar aggregate classification (germline): Uncertain significance. Review status: criteria provided, multiple submitters, no conflicts (2 of 4 stars). 2 submissions from 2 submitters: Uncertain significance (2). Last evaluated 2023-01-11.

Conditions:
Cortical dysplasia-focal epilepsy syndrome (PTHSL1). Also called: Pitt-Hopkins-like syndrome 1. Identifiers: Orphanet 163681, Orphanet 221150, MedGen C2750246, MONDO:0012400, OMIM 610042.

Allele frequency attached by ClinVar (database versions not stated): gnomAD exomes 0.00001.
gnomAD v4.1: 11 of 1,613,602 alleles (0.00068%); highest among the groups gnomAD compares: African/African-American, 0.0013%; no homozygotes.

Submissions (2):

GeneDx
Classification: Uncertain significance. Last evaluated: 2023-01-11. Review status: criteria provided, single submitter. Criteria: GeneDx Variant Classification Process June 2021. Collection method: clinical testing. Allele origin: germline. Affected: yes.
Comment: Not observed at significant frequency in large population cohorts (gnomAD); In silico analysis supports that this missense variant has a deleterious effect on protein structure/function; Has not been previously published as pathogenic or benign to our knowledge

Labcorp Genetics (formerly Invitae), Labcorp
Classification: Uncertain significance for Cortical dysplasia-focal epilepsy syndrome. Last evaluated: 2021-08-30. Review status: criteria provided, single submitter. Criteria: Invitae Variant Classification Sherloc (09022015). Collection method: clinical testing. Allele origin: germline.

NM_014141.6(CNTNAP2):c.1259G>A (p.Gly420Asp)

Gene: CNTNAP2 (contactin associated protein 2; plus strand). Cytogenetic location: 7q35.
Variant type: single nucleotide variant.
Coding change: c.1259G>A on transcript NM_014141.6 (MANE Select); coding-DNA position 1259, G replaced by A.
Protein change: p.Gly420Asp; replaces glycine 420 with aspartic acid.
Molecular consequence: missense variant.
Genome position (GRCh38, 1-based): chr7:147,132,420, G>A. VCF-style: chr7-147132420-G-A. GRCh37 (hg19) VCF-style: chr7-146829512-G-A.
Other names: p.G420D:GGC>GAC; short protein forms G420D.
Identifiers: ClinVar variation 205237 (VCV000205237.7), dbSNP rs200673864, ClinGen allele CA314108.
Genomic context (GRCh38, chr7:147,132,420, plus strand): 5'-AGTTTAGGACATGGAACCCCAATGGTCTCCTGGTCTTCAGTCACTTTGCGGATAATTTGG[G>A]CAATGTGGAGATTGACCTCACTGAAAGCAAAGTGGGTGTTCACATCAACATCACACAGAC-3'
Protein context (NP_054860.1, residues 410-430): LVFSHFADNL[Gly420Asp]NVEIDLTESK